The following is an entry in ClinVar:

ClinVar aggregate classification (germline): Uncertain significance. Review status: criteria provided, multiple submitters, no conflicts (2 of 4 stars). 2 submissions from 2 submitters: Uncertain significance (2). Last evaluated 2025-12-17.

Conditions:
SEMA3F-related disorder. Also called: SEMA3F-related condition.
Hypogonadotropic hypogonadism. Also called: Low gonadotropins (secondary hypogonadism); Hypogonadotrophic hypogonadism; Isolated hypogonadotropic hypogonadism; Hypogonadotropic hypogonadism with or without anosmia. Identifiers: Orphanet 432, MedGen C0271623, MONDO:0018555, HP:0000044.

Submissions (2):

PreventionGenetics, part of Exact Sciences
Classification: Uncertain significance for SEMA3F-related condition. Last evaluated: 2025-12-17. Review status: criteria provided, single submitter. Criteria: ACMG Guidelines, 2015. Collection method: clinical testing. Allele origin: germline.
Comment: The SEMA3F c.1954G>T variant is predicted to result in the amino acid substitution p.Ala652Ser. This variant was reported in an individual with idiopathic hypogonadotropic hypogonadism (Table 1, Kotan et al. 2021. PubMed ID: 33495532). This variant has not been reported in a large population database (gnomAD), indicating this variant is rare. At this time, the clinical significance of this variant is uncertain due to the absence of conclusive functional and genetic evidence.

Department of Pediatric Endocrinology, Cukurova University Medical Faculty
Classification: Uncertain significance for Hypogonadotropic hypogonadism with or without anosmia. Review status: criteria provided, single submitter. Criteria: ACMG Guidelines, 2015. Collection method: research. Allele origin: unknown. Inheritance: Oligogenic inheritance. Affected: yes. Observed: 1 heterozygote.

NM_004186.5(SEMA3F):c.1954G>T (p.Ala652Ser)

Gene: SEMA3F (semaphorin 3F; plus strand). Cytogenetic location: 3p21.31.
Variant type: single nucleotide variant.
Coding change: c.1954G>T on transcript NM_004186.5 (MANE Select); coding-DNA position 1954, G replaced by T.
Protein change: p.Ala652Ser; replaces alanine 652 with serine.
Molecular consequence: missense variant.
Genome position (GRCh38, 1-based): chr3:50,187,711, G>T. VCF-style: chr3-50187711-G-T. GRCh37 (hg19) VCF-style: chr3-50225144-G-T.
Other names: c.1954G>T (NM_004186.4); c.1657G>T, p.Ala553Ser (NM_001318798.2); c.1861G>T, p.Ala621Ser (NM_001318800.2); short protein forms A553S, A621S, A652S.
Identifiers: ClinVar variation 982049 (VCV000982049.3), dbSNP rs2109128819, ClinGen allele CA352902099.